The following is an entry in ClinVar:

ClinVar aggregate classification (germline): Likely benign (0 of 4 stars; one submission).

Conditions:
ATP2C1-related disorder. Also called: ATP2C1-related condition.

Allele frequency attached by ClinVar (database versions not stated): TOPMed 0.00002; gnomAD 0.00003; gnomAD exomes 0.00006; ExAC 0.00007.
gnomAD v4.1: 93 of 1,613,628 alleles (0.0058%); highest among the groups gnomAD compares: Non-Finnish European, 0.0075%; no homozygotes.

Submission:

PreventionGenetics, part of Exact Sciences
Classification: Likely benign for ATP2C1-related condition. Last evaluated: 2019-10-28. Review status: no assertion criteria provided. Collection method: clinical testing. Allele origin: germline.
Comment: This variant is classified as likely benign based on ACMG/AMP sequence variant interpretation guidelines (Richards et al. 2015 PMID: 25741868, with internal and published modifications).

NM_001378687.1(ATP2C1):c.1650T>G (p.Thr550=)

Gene: ATP2C1 (ATPase secretory pathway Ca2+ transporting 1; plus strand). Cytogenetic location: 3q22.1.
Variant type: single nucleotide variant.
Coding change: c.1650T>G on transcript NM_001378687.1 (MANE Select); coding-DNA position 1650, T replaced by G.
Protein change: p.Thr550=; no amino-acid change (threonine 550 retained).
Molecular consequence: synonymous variant.
Genome position (GRCh38, 1-based): chr3:130,979,328, T>G. VCF-style: chr3-130979328-T-G. GRCh37 (hg19) VCF-style: chr3-130698172-T-G.
Other names: c.1650T>G, p.Thr550= (NM_001001485.3, NM_001001486.2, NM_001001487.2 and 5 more transcripts); c.1752T>G, p.Thr584= (NM_001199180.2, NM_001199181.3, NM_001378511.1); c.1635T>G, p.Thr545= (NM_001199182.2); c.1602T>G, p.Thr534= (NM_001199183.2, NM_001199184.3, NM_001378514.1).
Identifiers: ClinVar variation 3040036 (VCV003040036.2), dbSNP rs773854095, ClinGen allele CA2615179.